The following is an entry in ClinVar:

NM_001267550.2(TTN):c.104458G>A (p.Glu34820Lys)

Genes: TTN-AS1 (TTN antisense RNA 1; plus strand), TTN (titin; minus strand). Cytogenetic location: 2q31.2.
Variant type: single nucleotide variant.
Coding change: c.104458G>A on transcript NM_001267550.2 (MANE Select); coding-DNA position 104458, G replaced by A.
Protein change: p.Glu34820Lys; replaces glutamic acid 34820 with lysine.
Molecular consequence: missense variant.
Genome position (GRCh38, 1-based): chr2:178,532,157, C>T on the plus strand (G>A on the coding strand, the complement: TTN is on the minus strand). VCF-style: chr2-178532157-C-T. GRCh37 (hg19) VCF-style: chr2-179396884-C-T.
Other names: c.99535G>A, p.Glu33179Lys (NM_001256850.1); c.77263G>A, p.Glu25755Lys (NM_003319.4); c.96754G>A, p.Glu32252Lys (NM_133378.4); c.77638G>A, p.Glu25880Lys (NM_133432.3); c.77839G>A, p.Glu25947Lys (NM_133437.4); short protein forms E34820K, E25947K, E25755K, E25880K, E32252K, E33179K.
Identifiers: ClinVar variation 466729 (VCV000466729.7), dbSNP rs766062367, ClinGen allele CA1985423.
Genomic context (GRCh38, chr2:178,532,157, plus strand): 5'-GTCGTCTCAGTAGTCTAGACGCAGATGAGGATGATTCTCTTTGAGCATGTTTTGAGATTT[C>T]GTATTCTTCCTCAATTTCTGTTATTTCTGTCACTTCTCTTTGTCGCCTTGATTTCTTTCT-3'
Protein context (NP_001254479.2, residues 34810-34830): TEITEIEEEY[Glu34820Lys]ISKHAQRESS

ClinVar aggregate classification (germline): Uncertain significance. Review status: criteria provided, multiple submitters, no conflicts (2 of 4 stars). 4 submissions from 4 submitters: Uncertain significance (4). Last evaluated 2025-11-20.

Conditions:
Cardiovascular phenotype. Identifiers: MedGen CN230736.
TTN-related disorder. Also called: TTN-related condition; TTN-related disease; TTN-related disorders.
Autosomal recessive limb-girdle muscular dystrophy type 2J (LGMDR10). Also called: Limb-girdle muscular dystrophy, type 2J; MUSCULAR DYSTROPHY, LIMB-GIRDLE, AUTOSOMAL RECESSIVE 10. Identifiers: Orphanet 140922, MedGen C1837342, MONDO:0012127, OMIM 608807.
Dilated cardiomyopathy 1G (CMD1G). Identifiers: Orphanet 154, MedGen C1858763, MONDO:0011400, OMIM 604145.

Allele frequency attached by ClinVar (database versions not stated): gnomAD 0.00001; gnomAD exomes 0.00002 and 0.00004; TOPMed 0.00003; ExAC 0.00005.
gnomAD v4.1: 32 of 1,613,608 alleles (0.002%); highest among the groups gnomAD compares: East Asian, 0.0045%; no homozygotes.

Submissions (4):

PreventionGenetics, part of Exact Sciences
Classification: Uncertain significance for TTN-related condition. Last evaluated: 2025-11-20. Review status: criteria provided, single submitter. Criteria: ACMG Guidelines, 2015. Collection method: clinical testing. Allele origin: germline.
Comment: The TTN c.104458G>A variant is predicted to result in the amino acid substitution p.Glu34820Lys. To our knowledge, this variant has not been reported in the literature. This variant is reported in 0.0098% of alleles in individuals of South Asian descent in gnomAD. At this time, the clinical significance of this variant is uncertain due to the absence of conclusive functional and genetic evidence.

Women's Health and Genetics/Laboratory Corporation of America, LabCorp
Classification: Uncertain significance. Last evaluated: 2025-06-27. Review status: criteria provided, single submitter. Criteria: LabCorp Variant Classification Summary - May 2015. Collection method: clinical testing. Allele origin: germline.
Comment: Variant summary: TTN c.96754G>A (p.Glu32252Lys) results in a conservative amino acid change in the encoded protein sequence. Algorithms developed to predict the effect of missense changes on protein structure and function are either unavailable or do not agree on the potential impact of this missense change. The variant allele was found at a frequency of 3.6e-05 in 247826 control chromosomes. The available data on variant occurrences in the general population are insufficient to allow any conclusion about variant significance. To our knowledge, no occurrence of c.96754G>A in individuals affected with Dilated Cardiomyopathy and no experimental evidence demonstrating its impact on protein function have been reported. ClinVar contains an entry for this variant (Variation ID: 466729). Based on the evidence outlined above, the variant was classified as uncertain significance.

Ambry Genetics
Classification: Uncertain significance for Cardiovascular phenotype. Last evaluated: 2018-10-09. Review status: criteria provided, single submitter. Criteria: Ambry Variant Classification Scheme 2023. Collection method: clinical testing. Allele origin: germline.
Comment: The p.E25755K variant (also known as c.77263G>A), located in coding exon 185 of the TTN gene, results from a G to A substitution at nucleotide position 77263. The glutamic acid at codon 25755 is replaced by lysine, an amino acid with similar properties. This amino acid position is well conserved in available vertebrate species; however, lysine is the reference amino acid in other vertebrate species. In addition, this alteration is predicted to be tolerated by in silico analysis. Since supporting evidence is limited at this time, the clinical significance of this alteration remains unclear.

Labcorp Genetics (formerly Invitae), Labcorp
Classification: Uncertain significance for Dilated cardiomyopathy 1G; Autosomal recessive limb-girdle muscular dystrophy type 2J. Last evaluated: 2017-07-24. Review status: criteria provided, single submitter. Criteria: Invitae Variant Classification Sherloc (09022015). Collection method: clinical testing. Allele origin: germline.